The following is an entry in ClinVar:

ClinVar aggregate classification (germline): Uncertain significance. Review status: criteria provided, multiple submitters, no conflicts (2 of 4 stars). 2 submissions from 2 submitters: Uncertain significance (2). Last evaluated 2025-10-04.

Conditions:
Lethal Kniest-like syndrome (DDSH). Also called: Dyssegmental Dysplasia. Identifiers: Orphanet 1865, MedGen C1857100, MONDO:0009140, OMIM 224410.

Allele frequency attached by ClinVar (database versions not stated): gnomAD exomes 0.00001.
gnomAD v4.1: 11 of 1,611,130 alleles (0.00068%); highest among the groups gnomAD compares: Non-Finnish European, 0.00085%; no homozygotes.

Submissions (2):

Labcorp Genetics (formerly Invitae), Labcorp
Classification: Uncertain significance. Last evaluated: 2025-10-04. Review status: criteria provided, single submitter. Criteria: Invitae Variant Classification Sherloc (09022015). Collection method: clinical testing. Allele origin: germline.
Comment: This sequence change falls in intron 28 of the HSPG2 gene. It does not directly change the encoded amino acid sequence of the HSPG2 protein. It affects a nucleotide within the consensus splice site. This variant is not present in population databases (gnomAD no frequency). This variant has been observed in individual(s) with Schwartz-Jampel syndrome (PMID: 34529350). ClinVar contains an entry for this variant (Variation ID: 930661). Variants that disrupt the consensus splice site are a relatively common cause of aberrant splicing (PMID: 17576681, 9536098). Algorithms developed to predict the effect of sequence changes on RNA splicing suggest that this variant may disrupt the consensus splice site. In summary, the available evidence is currently insufficient to determine the role of this variant in disease. Therefore, it has been classified as a Variant of Uncertain Significance.

Centre for Mendelian Genomics, University Medical Centre Ljubljana
Classification: Uncertain significance for Lethal Kniest-like syndrome. Last evaluated: 2018-09-26. Review status: criteria provided, single submitter. Criteria: ACMG Guidelines, 2015. Collection method: clinical testing. Allele origin: unknown. Affected: yes.
Comment: This variant was classified as: Uncertain significance. The available evidence on this variant's pathogenicity is insufficient or conflicting. The following ACMG criteria were applied in classifying this variant: PM2,BP4.

Literature cited by the submitters: PubMed 34529350 (cited by Labcorp Genetics (formerly Invitae), Labcorp); PubMed 17576681 (cited by Labcorp Genetics (formerly Invitae), Labcorp); PubMed 9536098 (cited by Labcorp Genetics (formerly Invitae), Labcorp).

NM_005529.7(HSPG2):c.3656+4C>T

Gene: HSPG2 (heparan sulfate proteoglycan 2; minus strand). Cytogenetic location: 1p36.12.
Variant type: single nucleotide variant.
Coding change: c.3656+4C>T on transcript NM_005529.7 (MANE Select); 4 bases into the intron after coding-DNA position 3656, C replaced by T.
Molecular consequence: intron variant.
Genome position (GRCh38, 1-based): chr1:21,874,402, G>A on the plus strand (C>T on the coding strand, the complement: HSPG2 is on the minus strand). VCF-style: chr1-21874402-G-A. GRCh37 (hg19) VCF-style: chr1-22200895-G-A.
Other names: c.3659+4C>T (NM_001291860.2).
Identifiers: ClinVar variation 930661 (VCV000930661.7), dbSNP rs1177290016, ClinGen allele CA521901088.
Genomic context (GRCh38, chr1:21,874,402, plus strand): 5'-CGGGTGTGGGAGCGGGTGGTAGACATTTCAGGGAAGGGCAGGTGCAGGCAGGGACTGGAC[G>A]CACTGGCCGGCAGCAGGGTCTCCGTAGCAGGGGCACAGCTGGCAGTCCTGTGGTGTCCCC-3'